The following is an entry in ClinVar:

ClinVar aggregate classification (germline): Likely benign (1 of 4 stars; one submission).

Submission:

CeGaT Center for Human Genetics Tuebingen
Classification: Likely benign. Last evaluated: 2026-01-01. Review status: criteria provided, single submitter. Criteria: CeGaT Center For Human Genetics Tuebingen Variant Classification Criteria Version 2. Collection method: clinical testing. Allele origin: germline. Affected: yes. Observed: 2 variant alleles.
Comment: ZCCHC2: BP4, BS2

NM_017742.6(ZCCHC2):c.1201-5del

Gene: ZCCHC2 (zinc finger CCHC-type containing 2; plus strand). Cytogenetic location: 18q21.33.
Variant type: Deletion.
Coding change: c.1201-5del on transcript NM_017742.6 (MANE Select); 5 bases into the intron before coding-DNA position 1201, one base deleted (T; older notation c.1201-5delT).
Molecular consequence: intron variant.
Genome position (GRCh38, 1-based): chr18:62,550,343, T deleted; the last of 4 consecutive T bases (chr18:62,550,340-62,550,343); deleting any one gives the same sequence. VCF-style (leftmost placement, unchanged base first): chr18-62550339-CT-C. GRCh37 (hg19) VCF-style: chr18-60217572-CT-C.
Identifiers: ClinVar variation 2648779 (VCV002648779.24), dbSNP rs566082921, ClinGen allele CA8984215.